The following is an entry in ClinVar:

ClinVar aggregate classification (germline): Uncertain significance (1 of 4 stars; one submission).

Allele frequency attached by ClinVar (database versions not stated): gnomAD exomes below 0.00001.

Submission:

Ambry Genetics
Classification: Uncertain significance. Last evaluated: 2024-02-22. Review status: criteria provided, single submitter. Criteria: Ambry Variant Classification Scheme 2023. Collection method: clinical testing. Allele origin: germline.
Comment: The p.K568M variant (also known as c.1703A>T), located in coding exon 13 of the NPAT gene, results from an A to T substitution at nucleotide position 1703. The lysine at codon 568 is replaced by methionine, an amino acid with similar properties. This amino acid position is conserved. In addition, this alteration is predicted to be tolerated by in silico analysis. Since supporting evidence is limited at this time, the clinical significance of this alteration remains unclear.

NM_002519.3(NPAT):c.1703A>T (p.Lys568Met)

Gene: NPAT (nuclear protein, coactivator of histone transcription; minus strand). Cytogenetic location: 11q22.3.
Variant type: single nucleotide variant.
Coding change: c.1703A>T on transcript NM_002519.3 (MANE Select); coding-DNA position 1703, A replaced by T.
Protein change: p.Lys568Met; replaces lysine 568 with methionine.
Molecular consequence: missense variant.
Genome position (GRCh38, 1-based): chr11:108,173,281, T>A on the plus strand (A>T on the coding strand, the complement: NPAT is on the minus strand). VCF-style: chr11-108173281-T-A. GRCh37 (hg19) VCF-style: chr11-108044008-T-A.
Other names: c.1703A>T, p.Lys568Met (NM_001321307.1); short protein forms K568M.
Identifiers: ClinVar variation 1778389 (VCV001778389.2), dbSNP rs2496720399, ClinGen allele CA382514547.
Genomic context (GRCh38, chr11:108,173,281, plus strand): 5'-ACTGGTTCTAACACATTAATTTCTATTTTACTCTTGTGAACTTCACTAGAATCTGATGAC[T>A]TGGAACCATGAAAATTAATTTTAAGTTTTACTGTATCATTAGAATTTTCACAAAATTGAC-3'
Protein context (NP_002510.2, residues 558-578): VKLKINFHGS[Lys568Met]SSDSSEVHKS